The following is an entry in ClinVar:

NM_015570.4(AUTS2):c.1841C>G (p.Pro614Arg)

Gene: AUTS2 (activator of transcription and developmental regulator AUTS2; plus strand). Cytogenetic location: 7q11.22.
Variant type: single nucleotide variant.
Coding change: c.1841C>G on transcript NM_015570.4 (MANE Select); coding-DNA position 1841, C replaced by G.
Protein change: p.Pro614Arg; replaces proline 614 with arginine.
Molecular consequence: missense variant. On other transcripts: intron variant (1).
Genome position (GRCh38, 1-based): chr7:70,774,038, C>G. VCF-style: chr7-70774038-C-G. GRCh37 (hg19) VCF-style: chr7-70239024-C-G.
Other names: c.1831-1319C>G (NM_001127231.3); short protein forms P614R.
Identifiers: ClinVar variation 4536213 (VCV004536213.1).
Genomic context (GRCh38, chr7:70,774,038, plus strand): 5'-GTCACCTGTTTTGTGCTTCCTAAGTAAGCTGTGGTCTAATTAATTTGTAGACATCCAACC[C>G]TATCGATGTCGCTGCTCGGCCTGGGACAGTCCCACACACTTTACTCCAAAAGGACCCGAG-3'
Protein context (NP_056385.1, residues 604-624): QGAFQPKTSN[Pro614Arg]IDVAARPGTV

ClinVar aggregate classification (germline): Uncertain significance (1 of 4 stars; one submission).

Submission:

GeneDx
Classification: Uncertain significance. Last evaluated: 2025-06-08. Review status: criteria provided, single submitter. Criteria: GeneDx Variant Classification Process June 2021. Collection method: clinical testing. Allele origin: germline. Affected: yes.
Comment: Not observed at significant frequency in large population cohorts (gnomAD); In silico analysis supports that this missense variant has a deleterious effect on protein structure/function; Has not been previously published as pathogenic or benign to our knowledge